The following is an entry in ClinVar:

NM_031433.4(MFRP):c.452C>A (p.Pro151Gln)

Genes: C1QTNF5 (C1q and TNF related 5; minus strand), MFRP (membrane frizzled-related protein; minus strand). Cytogenetic location: 11q23.3.
Variant type: single nucleotide variant.
Coding change: c.452C>A on transcript NM_031433.4 (MANE Select); coding-DNA position 452, C replaced by A.
Protein change: p.Pro151Gln; replaces proline 151 with glutamine.
Molecular consequence: missense variant. On other transcripts: 5 prime UTR variant (1).
Genome position (GRCh38, 1-based): chr11:119,345,609, G>T on the plus strand (C>A on the coding strand, the complement: MFRP is on the minus strand). VCF-style: chr11-119345609-G-T. GRCh37 (hg19) VCF-style: chr11-119216319-G-T.
Other names: c.-2185C>A (NM_015645.5); short protein forms P151Q.
Identifiers: ClinVar variation 302972 (VCV000302972.14), dbSNP rs200291895, ClinGen allele CA6320543.

ClinVar aggregate classification (germline): Uncertain significance. Review status: criteria provided, multiple submitters, no conflicts (2 of 4 stars). 5 submissions from 4 submitters: Uncertain significance (5). Last evaluated 2025-12-19.

Conditions:
Inborn genetic diseases. Identifiers: MedGen C0950123, MeSH D030342.
Isolated microphthalmia 5. Also called: Posterior Microphthalmia with Retinitis Pigmentosa, Foveoschisis, and Optic Disc Drusen. Identifiers: Orphanet 251279, MedGen C1970236, MONDO:0012605, OMIM 611040.
Late-onset retinal degeneration (LORD). Also called: RETINAL DEGENERATION, LATE-ONSET, AUTOSOMAL DOMINANT. Identifiers: Orphanet 67042, MedGen C1854065, MONDO:0011579, OMIM 605670. Disease mechanism: loss of function.

Allele frequency attached by ClinVar (database versions not stated): gnomAD exomes 0.00001 and 0.00003; gnomAD 0.00003 and 0.00004; TOPMed 0.00002; ExAC 0.00003.
gnomAD v4.1: 24 of 1,613,624 alleles (0.0015%); highest among the groups gnomAD compares: Non-Finnish European, 0.000085%; no homozygotes.

Submissions (5):

Labcorp Genetics (formerly Invitae), Labcorp
Classification: Uncertain significance for Isolated microphthalmia 5. Last evaluated: 2025-12-19. Review status: criteria provided, single submitter. Criteria: Invitae Variant Classification Sherloc (09022015). Collection method: clinical testing. Allele origin: germline.
Comment: This sequence change replaces proline, which is neutral and non-polar, with glutamine, which is neutral and polar, at codon 151 of the MFRP protein (p.Pro151Gln). This variant is present in population databases (rs200291895, gnomAD 0.07%). This variant has not been reported in the literature in individuals affected with MFRP-related conditions. ClinVar contains an entry for this variant (Variation ID: 302972). Invitae Evidence Modeling of protein sequence and biophysical properties (such as structural, functional, and spatial information, amino acid conservation, physicochemical variation, residue mobility, and thermodynamic stability) has been performed for this missense variant. However, the output from this modeling did not meet the statistical confidence thresholds required to predict the impact of this variant on MFRP protein function. In summary, the available evidence is currently insufficient to determine the role of this variant in disease. Therefore, it has been classified as a Variant of Uncertain Significance.

Ambry Genetics
Classification: Uncertain significance for Inborn genetic diseases. Last evaluated: 2022-04-22. Review status: criteria provided, single submitter. Criteria: Ambry Variant Classification Scheme 2023. Collection method: clinical testing. Allele origin: germline.

Blueprint Genetics
Classification: Uncertain significance. Last evaluated: 2022-01-19. Review status: criteria provided, single submitter. Criteria: ACMG Guidelines, 2015. Collection method: clinical testing. Allele origin: germline.

Illumina Laboratory Services, Illumina
Classification: Uncertain significance for Isolated microphthalmia 5. Last evaluated: 2018-01-13. Review status: criteria provided, single submitter. Criteria: ICSL Variant Classification Criteria 13 December 2019. Collection method: clinical testing. Allele origin: germline.

Illumina Laboratory Services, Illumina
Classification: Uncertain significance for Late-onset retinal degeneration. Last evaluated: 2018-01-13. Review status: criteria provided, single submitter. Criteria: ICSL Variant Classification Criteria 13 December 2019. Collection method: clinical testing. Allele origin: germline.